The following is an entry in ClinVar:

NC_000013.11:g.(?_23093196)_(23411259_?)del

Genes: SGCG (sarcoglycan gamma; plus strand), SACS (sacsin molecular chaperone; minus strand), LINC00362 (long intergenic non-protein coding RNA 362; minus strand), LOC130009363 (ATAC-STARR-seq lymphoblastoid active region 7450; plus strand), LOC130009362 (ATAC-STARR-seq lymphoblastoid active region 7449; plus strand) and 7 more. Cytogenetic location: 13q12.12.
Variant type: Deletion.
Identifiers: ClinVar variation 583650 (VCV000583650.2).

ClinVar aggregate classification (germline): Pathogenic (1 of 4 stars; one submission).

Conditions:
Autosomal recessive limb-girdle muscular dystrophy type 2C (LGMDR5). Also called: MUSCULAR DYSTROPHY, LIMB-GIRDLE, AUTOSOMAL RECESSIVE 5; MUSCULAR DYSTROPHY, DUCHENNE-LIKE. Identifiers: Orphanet 353, MedGen C0410173, MONDO:0009677, OMIM 253700. Disease mechanism: Affects gamma-sarcoglycan and also disrupts the integrity of the entire sarcoglycan complex..

Submission:

Labcorp Genetics (formerly Invitae), Labcorp
Classification: Pathogenic for Severe autosomal recessive muscular dystrophy of childhood - North African type. Last evaluated: 2018-08-14. Review status: criteria provided, single submitter. Criteria: Invitae Variant Classification Sherloc (09022015). Collection method: clinical testing. Allele origin: germline.
Comment: A gross deletion of the genomic region encompassing the full coding sequence of the SGCG gene has been identified. The boundaries of this event are unknown as the deletion extends beyond the assayed region for this gene and therefore may encompass additional genes. A similar whole SGCG gene deletion has been observed on the opposite chromosome (in trans) from other pathogenic variants in individuals affected withÂ¬â€ limb-girdle muscular dystrophy (LGMD)Â¬â€ (PMID:Â¬â€ 11801399, 18285821). This finding is consistent with autosomal recessive inheritance, and suggests that this variant contributes to disease. Loss-of-function variants in SGCG are known to be pathogenic (PMID: 18285821). For these reasons, this variant has been classified as Pathogenic.